The following is an entry in ClinVar:

NM_033056.4(PCDH15):c.5195A>C (p.Glu1732Ala)

Gene: PCDH15 (protocadherin related 15; minus strand). Cytogenetic location: 10q21.1.
Variant type: single nucleotide variant.
Coding change: c.5195A>C on transcript NM_033056.4 (MANE Plus Clinical); coding-DNA position 5195, A replaced by C.
Protein change: p.Glu1732Ala; replaces glutamic acid 1732 with alanine.
Molecular consequence: missense variant. On other transcripts: intron variant (8).
Genome position (GRCh38, 1-based): chr10:53,822,531, T>G on the plus strand (A>C on the coding strand, the complement: PCDH15 is on the minus strand). VCF-style: chr10-53822531-T-G. GRCh37 (hg19) VCF-style: chr10-55582291-T-G.
Other names: c.5216A>C, p.Glu1739Ala (NM_001142763.2); c.5201A>C, p.Glu1734Ala (NM_001142764.2); c.4988A>C, p.Glu1663Ala (NM_001142765.2); c.5186A>C, p.Glu1729Ala (NM_001142766.2); c.5075A>C, p.Glu1692Ala (NM_001142767.2); c.5135A>C, p.Glu1712Ala (NM_001142768.2); c.5126A>C, p.Glu1709Ala (NM_001142773.2); c.5129A>C, p.Glu1710Ala (NM_001354404.2); and 7 more; short protein forms E1663A, E1692A, E1709A, E1710A, E1712A, E1729A, E1732A, E1734A.
Identifiers: ClinVar variation 1010595 (VCV001010595.9), dbSNP rs1369826568, ClinGen allele CA376525510.
Genomic context (GRCh38, chr10:53,822,531, plus strand): 5'-GGAGGAGGAGGGGGAAGGGGACAGGCAGAAGGAGAGATGTTTGGTGGATGGGCAAAATTT[T>G]CAAAAATATTTCTTTCGGTTTCAATAGGTAACATACAAATAGGTGTCTCTCTCCTAGAGA-3'
Protein context (NP_149045.3, residues 1722-1742): LPIETERNIF[Glu1732Ala]NFAHPPNISP

ClinVar aggregate classification (germline): Uncertain significance. Review status: criteria provided, multiple submitters, no conflicts (2 of 4 stars). 2 submissions from 2 submitters: Uncertain significance (2). Last evaluated 2023-10-14.

Conditions:
Inborn genetic diseases. Identifiers: MedGen C0950123, MeSH D030342.

Allele frequency attached by ClinVar (database versions not stated): gnomAD 0.00001; TOPMed below 0.00001; gnomAD exomes below 0.00001.
gnomAD v4.1: 5 of 1,613,470 alleles (0.00031%); highest among the groups gnomAD compares: African/African-American, 0.0013%; no homozygotes.

Submissions (2):

Ambry Genetics
Classification: Uncertain significance for Inborn genetic diseases. Last evaluated: 2023-10-14. Review status: criteria provided, single submitter. Criteria: Ambry Variant Classification Scheme 2023. Collection method: clinical testing. Allele origin: germline.

Labcorp Genetics (formerly Invitae), Labcorp
Classification: Uncertain significance. Last evaluated: 2022-07-06. Review status: criteria provided, single submitter. Criteria: Invitae Variant Classification Sherloc (09022015). Collection method: clinical testing. Allele origin: germline.
Comment: This sequence change replaces glutamic acid, which is acidic and polar, with alanine, which is neutral and non-polar, at codon 1732 of the PCDH15 protein (p.Glu1732Ala). This variant is not present in population databases (gnomAD no frequency). In summary, the available evidence is currently insufficient to determine the role of this variant in disease. Therefore, it has been classified as a Variant of Uncertain Significance. Algorithms developed to predict the effect of missense changes on protein structure and function (SIFT, PolyPhen-2, Align-GVGD) all suggest that this variant is likely to be tolerated. ClinVar contains an entry for this variant (Variation ID: 1010595). This variant has not been reported in the literature in individuals affected with PCDH15-related conditions.